The following is an entry in ClinVar:

NM_033026.6(PCLO):c.5794C>T (p.Pro1932Ser)

Gene: PCLO (piccolo presynaptic cytomatrix protein; minus strand). Cytogenetic location: 7q21.11.
Variant type: single nucleotide variant.
Coding change: c.5794C>T on transcript NM_033026.6 (MANE Select); coding-DNA position 5794, C replaced by T.
Protein change: p.Pro1932Ser; replaces proline 1932 with serine.
Molecular consequence: missense variant.
Genome position (GRCh38, 1-based): chr7:82,955,159, G>A on the plus strand (C>T on the coding strand, the complement: PCLO is on the minus strand). VCF-style: chr7-82955159-G-A. GRCh37 (hg19) VCF-style: chr7-82584475-G-A.
Other names: c.5794C>T, p.Pro1932Ser (NM_014510.3); short protein forms P1932S.
Identifiers: ClinVar variation 5026357 (VCV005026357.1).

ClinVar aggregate classification (germline): Uncertain significance (1 of 4 stars; one submission).

Conditions:
Inborn genetic diseases. Identifiers: MedGen C0950123, MeSH D030342.

gnomAD v4.1: 7 of 1,613,752 alleles (0.00043%); highest among the groups gnomAD compares: African/African-American, 0.0053%; no homozygotes.

Submission:

Ambry Genetics
Classification: Uncertain significance for Inborn genetic diseases. Last evaluated: 2026-09-01. Review status: criteria provided, single submitter. Criteria: Ambry Variant Classification Scheme 2023. Collection method: clinical testing. Allele origin: germline.
Comment: The c.5794C>T (p.P1932S) alteration is located in exon 5 (coding exon 5) of the PCLO gene. This alteration results from a C to T substitution at nucleotide position 5794, causing the proline (P) at amino acid position 1932 to be replaced by a serine (S). Based on data from gnomAD, the T allele has an overall frequency of 0.001% (4/280008) total alleles studied. The highest observed frequency was 0.012% (3/24188) of African alleles. Based on insufficient or conflicting evidence, the clinical significance of this alteration remains unclear.